The following is an entry in ClinVar:

ClinVar aggregate classification (germline): Uncertain significance (1 of 4 stars; one submission).

Conditions:
Dyskeratosis congenita, autosomal recessive 5 (DKCB5). Identifiers: MedGen C3554656, MONDO:0014076, OMIM 615190.
Pulmonary fibrosis and/or bone marrow failure, Telomere-related, 3. Also called: PULMONARY FIBROSIS AND/OR BONE MARROW FAILURE SYNDROME, TELOMERE-RELATED, 3. Identifiers: Orphanet 2032, MedGen C4225346, MONDO:0014613, OMIM 616373.

Submission:

Labcorp Genetics (formerly Invitae), Labcorp
Classification: Uncertain significance for Dyskeratosis congenita, autosomal recessive 5; Pulmonary fibrosis and/or bone marrow failure, Telomere-related, 3. Last evaluated: 2019-08-01. Review status: criteria provided, single submitter. Criteria: Invitae Variant Classification Sherloc (09022015). Collection method: clinical testing. Allele origin: germline.
Comment: In summary, the available evidence is currently insufficient to determine the role of this variant in disease. Therefore, it has been classified as a Variant of Uncertain Significance. This variant has not been reported in the literature in individuals with RTEL1-related conditions. This variant results in a copy number gain of the genomic region encompassing exons 2-30 of the RTEL1 gene, which includes the initiator codon. The 5' end of this event is unknown as it extends beyond the assayed region for this gene and therefore may encompass additional genes. The 3' boundary is likely confined to intron 30 of the RTEL1 gene. As the precise location of this event is unknown, it may be in tandem or it may be located elsewhere in the genome.

NC_000020.11:g.(?_63659403)_(63693293_?)dup

Gene: RTEL1 (regulator of telomere elongation helicase 1; plus strand). Cytogenetic location: 20q13.33.
Variant type: Duplication.
Identifiers: ClinVar variation 832989 (VCV000832989.9).